The following is an entry in ClinVar:

ClinVar aggregate classification (germline): Pathogenic (1 of 4 stars; one submission).

Conditions:
Isovaleryl-CoA dehydrogenase deficiency (IVA). Also called: IVD DEFICIENCY; Classic Isovaleric Acidemia; ISOVALERIC ACID CoA DEHYDROGENASE DEFICIENCY; Isovaleric acidemia. Identifiers: Orphanet 33, MedGen C0268575, MONDO:0009475, OMIM 243500.

Submission:

Labcorp Genetics (formerly Invitae), Labcorp
Classification: Pathogenic for Isovaleryl-CoA dehydrogenase deficiency. Last evaluated: 2019-12-30. Review status: criteria provided, single submitter. Criteria: Invitae Variant Classification Sherloc (09022015). Collection method: clinical testing. Allele origin: germline.
Comment: For these reasons, this variant has been classified as Pathogenic. This variant disrupts the C-terminus of the IVD protein. Other variant(s) that disrupt this region (p.Leu397Phefs*9) have been determined to be pathogenic (PMID: 10713113, 2063866, Invitae). This suggests that variants that disrupt this region of the protein are likely to be causative of disease. This variant has not been reported in the literature in individuals with IVD-related conditions. This variant is not present in population databases (ExAC no frequency). This sequence change results in a premature translational stop signal in the IVD gene (p.Ala361Argfs*8). While this is not anticipated to result in nonsense mediated decay, it is expected to disrupt the last 66 amino acids of the IVD protein.

Literature cited by the submitters: PubMed 10713113; PubMed 2063866.

NM_002225.5(IVD):c.1071_1072del (p.Ala358fs)

Gene: IVD (isovaleryl-CoA dehydrogenase; plus strand). Cytogenetic location: 15q15.1.
Variant type: Microsatellite.
Coding change: c.1071_1072del on transcript NM_002225.5 (MANE Select); coding-DNA positions 1071 to 1072, 2 bases deleted (TG; older notation c.1071_1072delTG).
Protein change: p.Ala358fs; shifts the reading frame from alanine 358.
Molecular consequence: frameshift variant. On other transcripts: non-coding transcript variant (1).
Genome position (GRCh38, 1-based): chr15:40,416,295-40,416,296, TG deleted; deleting any 2 consecutive bases within chr15:40,416,293-40,416,296 gives the same sequence; the c. name uses the placement nearest the transcript's 3' end. VCF-style (leftmost placement, unchanged base first): chr15-40416292-CTG-C. GRCh37 (hg19) VCF-style: chr15-40708491-CTG-C.
Other names: c.981_982del, p.Ala328fs (NM_001159508.3); c.1023_1024del, p.Ala342fs (NM_001354597.3); c.1071_1072del, p.Ala358fs (NM_001354598.3, NM_001354601.3); c.1158_1159del, p.Ala387fs (NM_001354599.3, NM_001354600.3); short protein forms A342fs, A358fs, A328fs, A387fs.
Identifiers: ClinVar variation 844890 (VCV000844890.10), dbSNP rs1891674455, ClinGen allele CA916083412.